The following is an entry in ClinVar:

NM_022124.6(CDH23):c.1135-7T>C

Gene: CDH23 (cadherin related 23; plus strand). Cytogenetic location: 10q22.1.
Variant type: single nucleotide variant.
Coding change: c.1135-7T>C on transcript NM_022124.6 (MANE Select); 7 bases into the intron before coding-DNA position 1135, T replaced by C.
Molecular consequence: intron variant.
Genome position (GRCh38, 1-based): chr10:71,643,854, T>C. VCF-style: chr10-71643854-T-C. GRCh37 (hg19) VCF-style: chr10-73403611-T-C.
Other names: c.1135-7T>C (NM_001171930.2, NM_001171931.2, NM_052836.4).
Identifiers: ClinVar variation 45862 (VCV000045862.18), dbSNP rs397517303, ClinGen allele CA137260.

ClinVar aggregate classification (germline): Likely benign. Review status: criteria provided, multiple submitters, no conflicts (2 of 4 stars). 4 submissions from 4 submitters: Likely benign (4). Last evaluated 2026-01-06.

Allele frequency attached by ClinVar (database versions not stated): gnomAD exomes below 0.00001 and 0.00002; gnomAD 0.00001; TOPMed 0.00002.
gnomAD v4.1: 10 of 766,168 alleles (0.0013%); highest among the groups gnomAD compares: Middle Eastern, 0.045%; no homozygotes.

Submissions (4):

Labcorp Genetics (formerly Invitae), Labcorp
Classification: Likely benign. Last evaluated: 2026-01-06. Review status: criteria provided, single submitter. Criteria: Invitae Variant Classification Sherloc (09022015). Collection method: clinical testing. Allele origin: germline.

Blueprint Genetics
Classification: Likely benign. Last evaluated: 2023-10-04. Review status: criteria provided, single submitter. Criteria: ACMG Guidelines, 2015. Collection method: clinical testing. Allele origin: germline.

GeneDx
Classification: Likely benign. Last evaluated: 2020-08-10. Review status: criteria provided, single submitter. Criteria: GeneDx Variant Classification Process June 2021. Collection method: clinical testing. Allele origin: germline. Affected: yes.

Laboratory for Molecular Medicine, Mass General Brigham Personalized Medicine
Classification: Likely benign. Last evaluated: 2015-03-31. Review status: criteria provided, single submitter. Criteria: LMM Criteria. Collection method: clinical testing. Allele origin: germline. Observed: 1 variant allele.
Comment: c.1135-7T>C in intron 11 of CDH23: This variant is not expected to have clinical significance because a T>C change at this position does not diverge from the sp lice consensus sequence and is therefore unlikely to impact splicing.